The following is an entry in ClinVar:

NM_000143.4(FH):c.842C>T (p.Thr281Ile)

Gene: FH (fumarate hydratase; minus strand). Cytogenetic location: 1q43.
Variant type: single nucleotide variant.
Coding change: c.842C>T on transcript NM_000143.4 (MANE Select); coding-DNA position 842, C replaced by T.
Protein change: p.Thr281Ile; replaces threonine 281 with isoleucine.
Molecular consequence: missense variant.
Genome position (GRCh38, 1-based): chr1:241,506,065, G>A on the plus strand (C>T on the coding strand, the complement: FH is on the minus strand). VCF-style: chr1-241506065-G-A. GRCh37 (hg19) VCF-style: chr1-241669365-G-A.
Other names: short protein forms T281I.
Identifiers: ClinVar variation 822414 (VCV000822414.16), dbSNP rs1573881633, ClinGen allele CA345438912.

ClinVar aggregate classification (germline): Conflicting classifications of pathogenicity. Review status: criteria provided, conflicting classifications (1 of 4 stars). 5 submissions from 5 submitters: Pathogenic (1); Likely pathogenic (2); Uncertain significance (2). Last evaluated 2025-05-12.

Conditions:
Hereditary cancer-predisposing syndrome. Also called: Neoplastic Syndromes, Hereditary; Hereditary Cancer Syndrome; Hereditary neoplastic syndrome; Tumor predisposition. Identifiers: Orphanet 140162, MedGen C0027672, MeSH D009386, MONDO:0015356.
Hereditary leiomyomatosis and renal cell cancer. Also called: Reed syndrome; Multiple cutaneous and uterine leiomyomatosis; Cutaneous leiomyomata with uterine leiomyomata; Leiomyoma, hereditary multiple, of skin; Multiple cutaneous and uterine leiomyomata; Multiple cutaneous leiomyomas. Identifiers: Orphanet 523, MedGen C1708350, MONDO:0007888, OMIM 150800, HP:0007437. Disease mechanism: loss of function.
Fumarase deficiency (FMRD). Also called: Fumarate Hydratase Deficiency; Fumaric aciduria. Identifiers: Orphanet 24, MedGen C0342770, MONDO:0011730, OMIM 606812.

Allele frequency attached by ClinVar (database versions not stated): gnomAD exomes below 0.00001.
gnomAD v4.1: 1 of 1,614,006 alleles (0.000062%); highest among the groups gnomAD compares: Non-Finnish European, 0.000085%; no homozygotes.

Submissions (5):

Myriad Genetics, Inc.
Classification: Likely pathogenic for Hereditary leiomyomatosis and renal cell cancer. Last evaluated: 2025-05-12. Review status: criteria provided, single submitter. Criteria: Myriad Autosomal Dominant, Autosomal Recessive and X-Linked Classification Criteria (2023). Collection method: clinical testing. Allele origin: unknown.
Comment: This variant is considered likely pathogenic. This variant has been reported in multiple individuals with clinical features of gene-specific disease [PMID: 33063682, 26945337, 35048731; external communications 2025]. This variant is expected to disrupt protein structure [Myriad internal data].

Labcorp Genetics (formerly Invitae), Labcorp
Classification: Likely pathogenic. Last evaluated: 2025-01-06. Review status: criteria provided, single submitter. Criteria: Invitae Variant Classification Sherloc (09022015). Collection method: clinical testing. Allele origin: germline.
Comment: This sequence change replaces threonine, which is neutral and polar, with isoleucine, which is neutral and non-polar, at codon 281 of the FH protein (p.Thr281Ile). This variant is not present in population databases (gnomAD no frequency). This missense change has been observed in individual(s) with clinical features of hereditary cutaneous leiomyomas and/or renal cell carcinoma (PMID: 33063682; internal data). ClinVar contains an entry for this variant (Variation ID: 822414). Invitae Evidence Modeling of protein sequence and biophysical properties (such as structural, functional, and spatial information, amino acid conservation, physicochemical variation, residue mobility, and thermodynamic stability) indicates that this missense variant is expected to disrupt FH protein function with a positive predictive value of 95%. In summary, the currently available evidence indicates that the variant is pathogenic, but additional data are needed to prove that conclusively. Therefore, this variant has been classified as Likely Pathogenic.

ARUP Laboratories, Molecular Genetics and Genomics, ARUP Laboratories
Classification: Uncertain significance. Last evaluated: 2024-02-06. Review status: criteria provided, single submitter. Criteria: ARUP Molecular Germline Variant Investigation Process 2024. Collection method: clinical testing. Allele origin: germline.
Comment: The FH c.842C>T; p.Thr281Ile variant (rs1573881633) is reported in the literature in an individual affected with suspected hereditary leiomyomatosis and renal cell cancer (HLRCC), but it was also found in three asymptomatic relatives (Seo 2021). This variant is reported in ClinVar (Variation ID: 822414) and is absent from the Genome Aggregation Database (v2.1.1), indicating it is not a common polymorphism. Computational analyses predict that this variant is deleterious (REVEL: 0.922). Additionally, another variant at this codon (c.841A>G; p.Thr281Ala) has been reported in an individual with HLRCC, and patient cells were found to have reduced FH activity (Muller 2017). Due to limited information, the clinical significance of the p.Thr281Ile variant is uncertain at this time. References: Muller M et al. Reassessing the clinical spectrum associated with hereditary leiomyomatosis and renal cell carcinoma syndrome in French FH mutation carriers. Clin Genet. 2017 Dec;92(6):606-615. PMID: 28300276. Seo JY et al. Genotypic and Phenotypic Characteristics of Hereditary Leiomyomatosis and Renal Cell Cancer Syndrome in Korean Patients. Ann Lab Med. 2021 Mar 1;41(2):207-213. PMID: 33063682.

Department of Pathology and Laboratory Medicine, Sinai Health System
Classification: Uncertain significance for Hereditary leiomyomatosis and renal cell cancer; Fumarase deficiency. Last evaluated: 2022-02-10. Review status: criteria provided, single submitter. Criteria: ACMG Guidelines, 2015. Collection method: clinical testing. Allele origin: germline. Affected: yes.

Ambry Genetics
Classification: Pathogenic for Hereditary cancer-predisposing syndrome. Last evaluated: 2021-11-22. Review status: criteria provided, single submitter. Criteria: Ambry Variant Classification Scheme 2023. Collection method: clinical testing. Allele origin: germline.
Comment: The p.T281I pathogenic mutation (also known as c.842C>T), located in coding exon 6 of the FH gene, results from a C to T substitution at nucleotide position 842. The threonine at codon 281 is replaced by isoleucine, an amino acid with similar properties. This alteration has been identified in several individuals with features consistent with HLRCC (Seo JY et al. Ann Lab Med. 2021 Mar;41:207-213; Ambry internal data). Another, more conservative amino acid substitution at this same codon (p.T281A) was identified in an individual with HLRCC and blood from that patient showed severely reduced FH enzyme activity (Muller M et al. Clin. Genet. 2017 Dec;92:606-615). This variant is considered to be rare based on population cohorts in the Genome Aggregation Database (gnomAD). This amino acid position is highly conserved in available vertebrate species. In addition, this alteration is predicted to be deleterious by in silico analysis. Based on the supporting evidence, this alteration is interpreted as a disease-causing mutation.

Literature cited by the submitters: PubMed 33063682 (cited by 3 submitters); PubMed 26945337 (cited by Myriad Genetics, Inc.); PubMed 35048731 (cited by Myriad Genetics, Inc.); PubMed 28300276 (cited by Department of Pathology and Laboratory Medicine, Sinai Health System and Ambry Genetics).